The following is an entry in ClinVar:

NM_030662.4(MAP2K2):c.320T>A (p.Ile107Asn)

Gene: MAP2K2 (mitogen-activated protein kinase kinase 2; minus strand). Cytogenetic location: 19p13.3.
Variant type: single nucleotide variant.
Coding change: c.320T>A on transcript NM_030662.4 (MANE Select); coding-DNA position 320, T replaced by A.
Protein change: p.Ile107Asn; replaces isoleucine 107 with asparagine.
Molecular consequence: missense variant.
Genome position (GRCh38, 1-based): chr19:4,110,639, A>T on the plus strand (T>A on the coding strand, the complement: MAP2K2 is on the minus strand). VCF-style: chr19-4110639-A-T. GRCh37 (hg19) VCF-style: chr19-4110637-A-T.
Other names: short protein forms I107N.
Identifiers: ClinVar variation 40790 (VCV000040790.14), dbSNP rs1555698037, ClinGen allele CA403391749.

ClinVar aggregate classification (germline): Uncertain significance. Review status: criteria provided, multiple submitters, no conflicts (2 of 4 stars). 3 submissions from 3 submitters: Uncertain significance (3). Last evaluated 2024-06-03.

Conditions:
RASopathy. Also called: rasopathies; Noonan spectrum disorder. Identifiers: Orphanet 536391, MedGen C5555857, MONDO:0021060.

Submissions (3):

GeneDx
Classification: Uncertain significance. Last evaluated: 2024-06-03. Review status: criteria provided, single submitter. Criteria: GeneDx Variant Classification Process June 2021. Collection method: clinical testing. Allele origin: germline. Affected: yes.
Comment: Not observed at significant frequency in large population cohorts (gnomAD); Missense variants in this gene are a common cause of disease and they are underrepresented in the general population; In silico analysis supports that this missense variant has a deleterious effect on protein structure/function; This variant is associated with the following publications: (PMID: 31573083)

Labcorp Genetics (formerly Invitae), Labcorp
Classification: Uncertain significance for RASopathy. Last evaluated: 2019-02-22. Review status: criteria provided, single submitter. Criteria: Invitae Variant Classification Sherloc (09022015). Collection method: clinical testing. Allele origin: germline.
Comment: In summary, the available evidence is currently insufficient to determine the role of this variant in disease. Therefore, it has been classified as a Variant of Uncertain Significance. Algorithms developed to predict the effect of missense changes on protein structure and function are either unavailable or do not agree on the potential impact of this missense change (SIFT: "Deleterious"; PolyPhen-2: "Benign"; Align-GVGD: "Class C35"). This variant has not been reported in the literature in individuals with MAP2K2-related conditions. ClinVar contains an entry for this variant (Variation ID: 40790. This variant is not present in population databases (ExAC no frequency). This sequence change replaces isoleucine with asparagine at codon 107 of the MAP2K2 protein (p.Ile107Asn). The isoleucine residue is highly conserved and there is a large physicochemical difference between isoleucine and asparagine.

Laboratory for Molecular Medicine, Mass General Brigham Personalized Medicine
Classification: Uncertain significance. Last evaluated: 2016-06-28. Review status: criteria provided, single submitter. Criteria: LMM Criteria. Collection method: clinical testing. Allele origin: germline. Observed: 1 variant allele.
Comment: The p.Ile107Asn variant in MAP2k2 has not been previously reported in individual s with RASopathies or in large population studies. Computational prediction tool s and conservation analysis suggest that the p.Ile107Asn variant may impact the protein, though this information is not predictive enough to determine pathogeni city. In summary, the clinical significance of the p.Ile107Asn variant is uncert ain.